The following is an entry in ClinVar:

ClinVar aggregate classification (germline): Pathogenic. Review status: criteria provided, multiple submitters, no conflicts (2 of 4 stars). 2 submissions from 2 submitters: Pathogenic (2). Last evaluated 2023-08-19.

Conditions:
Emery-Dreifuss muscular dystrophy 4, autosomal dominant (EDMD4). Also called: EMERY-DREIFUSS MUSCULAR DYSTROPHY 4 WITH VARIABLE FEATURES. Identifiers: Orphanet 261, MedGen C2751807, MONDO:0013071, OMIM 612998.
Autosomal recessive ataxia, Beauce type. Also called: SYNE1-Related Autosomal Recessive Cerebellar Ataxia; ATAXIA, RECESSIVE, OF BEAUCE; Spinocerebellar ataxia, autosomal recessive 8; SYNE1 Deficiency. Identifiers: Orphanet 88644, MedGen C1853116, MONDO:0012549, OMIM 610743.

Allele frequency attached by ClinVar (database versions not stated): gnomAD exomes below 0.00001; TOPMed below 0.00001; gnomAD 0.00001.
gnomAD v4.1: 2 of 1,614,046 alleles (0.00012%); highest among the groups gnomAD compares: African/African-American, 0.0013%; no homozygotes.

Submissions (2):

Labcorp Genetics (formerly Invitae), Labcorp
Classification: Pathogenic for Emery-Dreifuss muscular dystrophy 4, autosomal dominant; Autosomal recessive ataxia, Beauce type. Last evaluated: 2023-08-19. Review status: criteria provided, single submitter. Criteria: Invitae Variant Classification Sherloc (09022015). Collection method: clinical testing. Allele origin: germline.
Comment: ClinVar contains an entry for this variant (Variation ID: 212342). For these reasons, this variant has been classified as Pathogenic. This premature translational stop signal has been observed in individual(s) with clinical features of SYNE1-related conditions (PMID: 29915382). This variant is not present in population databases (gnomAD no frequency). This sequence change creates a premature translational stop signal (p.Gln8289*) in the SYNE1 gene. It is expected to result in an absent or disrupted protein product. Loss-of-function variants in SYNE1 are known to be pathogenic (PMID: 19542096, 24319099, 27086870).

Genetic Services Laboratory, University of Chicago
Classification: Pathogenic for Spinocerebellar ataxia, autosomal recessive 8. Last evaluated: 2015-02-13. Review status: criteria provided, single submitter. Criteria: ACMG Guidelines, 2015. Collection method: clinical testing. Allele origin: germline. Affected: yes.

Literature cited by the submitters: PubMed 29915382 (cited by Labcorp Genetics (formerly Invitae), Labcorp); PubMed 19542096 (cited by Labcorp Genetics (formerly Invitae), Labcorp); PubMed 24319099 (cited by Labcorp Genetics (formerly Invitae), Labcorp); PubMed 27086870 (cited by Labcorp Genetics (formerly Invitae), Labcorp).

NM_182961.4(SYNE1):c.25009C>T (p.Gln8337Ter)

Gene: SYNE1 (spectrin repeat containing nuclear envelope protein 1; minus strand). Cytogenetic location: 6q25.2.
Variant type: single nucleotide variant.
Coding change: c.25009C>T on transcript NM_182961.4 (MANE Select); coding-DNA position 25009, C replaced by T.
Protein change: p.Gln8337Ter; replaces glutamine 8337 with a stop codon.
Molecular consequence: nonsense.
Genome position (GRCh38, 1-based): chr6:152,143,733, G>A on the plus strand (C>T on the coding strand, the complement: SYNE1 is on the minus strand). VCF-style: chr6-152143733-G-A. GRCh37 (hg19) VCF-style: chr6-152464868-G-A.
Other names: c.1615C>T, p.Gln539Ter (NM_001347701.2); c.1543C>T, p.Gln515Ter (NM_001347702.2); c.24865C>T, p.Gln8289Ter (NM_033071.5); short protein forms Q8289*, Q8337*, Q515*, Q539*.
Identifiers: ClinVar variation 212342 (VCV000212342.9), dbSNP rs797046025, ClinGen allele CA277296.